The following is an entry in ClinVar:

NM_000368.5(TSC1):c.3084_3086del (p.Ser1030del)

Gene: TSC1 (TSC complex subunit 1; minus strand). Cytogenetic location: 9q34.13.
Variant type: Deletion.
Coding change: c.3084_3086del on transcript NM_000368.5 (MANE Select); coding-DNA positions 3084 to 3086, 3 bases deleted (CAG; older notation c.3084_3086delCAG).
Protein change: p.Ser1030del; deletes serine 1030.
Molecular consequence: inframe deletion.
Genome position (GRCh38, 1-based): chr9:132,896,644-132,896,646, CTG deleted on the plus strand (CAG on the coding strand, the reverse complement: TSC1 is on the minus strand); deleting any 3 consecutive bases within chr9:132,896,644-132,896,647 gives the same sequence; the c. name uses the placement nearest the transcript's 3' end. VCF-style (leftmost placement, unchanged base first): chr9-132896643-ACTG-A. GRCh37 (hg19) VCF-style: chr9-135772030-ACTG-A.
Other names: c.3081_3083del, p.Ser1029del (NM_001162426.2); c.2931_2933del, p.Ser979del (NM_001162427.2); c.2721_2723del, p.Ser909del (NM_001362177.2); c.3084_3086delCAG (NM_000368.4); short protein forms S979del, S909del, S1029del, S1030del.
Identifiers: ClinVar variation 651132 (VCV000651132.14), dbSNP rs1588287797, ClinGen allele CA915947220.

ClinVar aggregate classification (germline): Uncertain significance. Review status: criteria provided, multiple submitters, no conflicts (2 of 4 stars). 2 submissions from 2 submitters: Uncertain significance (2). Last evaluated 2025-05-27.

Conditions:
Tuberous sclerosis 1 (TSC1). Identifiers: Orphanet 805, MedGen C1854465, MONDO:0008612, OMIM 191100.
Hereditary cancer-predisposing syndrome. Also called: Hereditary Cancer Syndrome; Tumor predisposition; Neoplastic Syndromes, Hereditary; Hereditary neoplastic syndrome. Identifiers: Orphanet 140162, MedGen C0027672, MeSH D009386, MONDO:0015356.

Submissions (2):

Labcorp Genetics (formerly Invitae), Labcorp
Classification: Uncertain significance for Tuberous sclerosis 1. Last evaluated: 2025-05-27. Review status: criteria provided, single submitter. Criteria: Invitae Variant Classification Sherloc (09022015). Collection method: clinical testing. Allele origin: germline.
Comment: This variant, c.3084_3086del, results in the deletion of 1 amino acid(s) of the TSC1 protein (p.Ser1030del), but otherwise preserves the integrity of the reading frame. This variant is not present in population databases (gnomAD no frequency). This variant has not been reported in the literature in individuals affected with TSC1-related conditions. ClinVar contains an entry for this variant (Variation ID: 651132). Experimental studies and prediction algorithms are not available or were not evaluated, and the functional significance of this variant is currently unknown. In summary, the available evidence is currently insufficient to determine the role of this variant in disease. Therefore, it has been classified as a Variant of Uncertain Significance.

Ambry Genetics
Classification: Uncertain significance for Hereditary cancer-predisposing syndrome. Last evaluated: 2025-04-15. Review status: criteria provided, single submitter. Criteria: Ambry Variant Classification Scheme 2023. Collection method: clinical testing. Allele origin: germline.
Comment: The c.3084_3086delCAG variant (also known as p.S1030del) is located in coding exon 21 of the TSC1 gene. This variant results from an in-frame CAG deletion at nucleotide positions 3084 to 3086. This results in the in-frame deletion of a serine at codon 1030. This amino acid position is not well conserved in available vertebrate species. In addition, this alteration is predicted to be neutral by in silico analysis (Choi Y et al. PLoS ONE. 2012; 7(10):e46688). Since supporting evidence is limited at this time, the clinical significance of this alteration remains unclear.